The following is an entry in ClinVar:

NM_001005242.3(PKP2):c.-6_5dup (p.Gly5fs)

Gene: PKP2 (plakophilin 2; minus strand). Cytogenetic location: 12p11.21.
Variant type: Duplication.
Coding change: c.-6_5dup on transcript NM_001005242.3 (MANE Select); 6 bases upstream of the start codon through coding-DNA position 5, 11 bases duplicated (GGCCCCATGGC).
Protein change: p.Gly5fs; shifts the reading frame from glycine 5.
Molecular consequence: frameshift variant, initiator codon variant. On other transcripts: 5 prime UTR variant (4).
Genome position (GRCh38, 1-based): chr12:32,896,727-32,896,737, GCCATGGGGCC duplicated on the plus strand (GGCCCCATGGC on the coding strand, the reverse complement: PKP2 is on the minus strand); duplicating any 11 consecutive bases within chr12:32,896,727-32,896,738 gives the same sequence; the c. name uses the placement nearest the transcript's 3' end. VCF-style (leftmost placement, unchanged base first): chr12-32896726-T-TGCCATGGGGCC. GRCh37 (hg19) VCF-style: chr12-33049660-T-TGCCATGGGGCC.
Other names: c.-6_5dup, p.Gly5fs (NM_001407155.1, NM_001407156.1, NM_001407157.1 and 2 more transcripts); c.-832_-822dup (NM_001407158.1, NM_001407162.1); c.-596_-586dup (NM_001407159.1, NM_001407160.1); short protein forms G5fs.
Identifiers: ClinVar variation 4740207 (VCV004740207.1).

ClinVar aggregate classification (germline): Uncertain significance (1 of 4 stars; one submission).

Conditions:
Arrhythmogenic right ventricular dysplasia 9 (ARVD9). Also called: Arrhythmogenic Right Ventricular Dysplasia/Cardiomyopathy 9; ARRHYTHMOGENIC RIGHT VENTRICULAR DYSPLASIA, FAMILIAL, 9. Identifiers: MedGen C1836906, MONDO:0012180, OMIM 609040.

Submission:

Labcorp Genetics (formerly Invitae), Labcorp
Classification: Uncertain significance for Arrhythmogenic right ventricular dysplasia 9. Last evaluated: 2025-11-13. Review status: criteria provided, single submitter. Criteria: Invitae Variant Classification Sherloc (09022015). Collection method: clinical testing. Allele origin: germline.
Comment: This variant occurs in a non-coding region of the PKP2 gene. It does not change the encoded amino acid sequence of the PKP2 protein. This variant is not present in population databases (gnomAD no frequency). This variant has not been reported in the literature in individuals affected with PKP2-related conditions. This variant is also known as p.Gly5Trpfs*38. Experimental studies and prediction algorithms are not available or were not evaluated, and the functional significance of this variant is currently unknown. In summary, the available evidence is currently insufficient to determine the role of this variant in disease. Therefore, it has been classified as a Variant of Uncertain Significance.